The following is an entry in ClinVar:

NM_001127208.3(TET2):c.2084T>C (p.Met695Thr)

Genes: TET2 (tet methylcytosine dioxygenase 2; plus strand), TET2-AS1 (TET2 antisense RNA 1; minus strand). Cytogenetic location: 4q24.
Variant type: single nucleotide variant.
Coding change: c.2084T>C on transcript NM_001127208.3 (MANE Select); coding-DNA position 2084, T replaced by C.
Protein change: p.Met695Thr; replaces methionine 695 with threonine.
Molecular consequence: missense variant.
Genome position (GRCh38, 1-based): chr4:105,236,026, T>C. VCF-style: chr4-105236026-T-C. GRCh37 (hg19) VCF-style: chr4-106157183-T-C.
Other names: c.2084T>C, p.Met695Thr (NM_017628.4); short protein forms M695T.
Identifiers: ClinVar variation 1708755 (VCV001708755.3), dbSNP rs1408289708, ClinGen allele CA357797552.

ClinVar aggregate classification (germline): Uncertain significance. Review status: criteria provided, multiple submitters, no conflicts (2 of 4 stars). 2 submissions from 2 submitters: Uncertain significance (2). Last evaluated 2025-01-23.

Allele frequency attached by ClinVar (database versions not stated): gnomAD 0.00001; TOPMed 0.00001.
gnomAD v4.1: 13 of 1,614,054 alleles (0.00081%); highest among the groups gnomAD compares: East Asian, 0.0022%; no homozygotes.

Submissions (2):

Ambry Genetics
Classification: Uncertain significance. Last evaluated: 2025-01-23. Review status: criteria provided, single submitter. Criteria: Ambry Variant Classification Scheme 2023. Collection method: clinical testing. Allele origin: germline.
Comment: The p.M695T variant (also known as c.2084T>C), located in coding exon 1 of the TET2 gene, results from a T to C substitution at nucleotide position 2084. The methionine at codon 695 is replaced by threonine, an amino acid with similar properties. This amino acid position is conserved. In addition, this alteration is predicted to be tolerated by in silico analysis. Based on the available evidence, the clinical significance of this variant remains unclear.

GeneDx
Classification: Uncertain significance. Last evaluated: 2022-04-05. Review status: criteria provided, single submitter. Criteria: GeneDx Variant Classification Process June 2021. Collection method: clinical testing. Allele origin: germline. Affected: yes.
Comment: Not observed at significant frequency in large population cohorts (gnomAD); In silico analysis supports that this missense variant does not alter protein structure/function; Has not been previously published as pathogenic or benign to our knowledge